The following is an entry in ClinVar:

NM_001267550.2(TTN):c.3884C>T (p.Ser1295Leu)

Genes: TTN (titin; minus strand), LOC101927055 (uncharacterized LOC101927055; plus strand). Cytogenetic location: 2q31.2.
Variant type: single nucleotide variant.
Coding change: c.3884C>T on transcript NM_001267550.2 (MANE Select); coding-DNA position 3884, C replaced by T.
Protein change: p.Ser1295Leu; replaces serine 1295 with leucine.
Molecular consequence: missense variant.
Genome position (GRCh38, 1-based): chr2:178,779,308, G>A on the plus strand (C>T on the coding strand, the complement: TTN is on the minus strand). VCF-style: chr2-178779308-G-A. GRCh37 (hg19) VCF-style: chr2-179644035-G-A.
Other names: p.S1295L:TCA>TTA; c.3884C>T, p.Ser1295Leu (NM_001256850.1, NM_133378.4, NM_133379.5); c.3746C>T, p.Ser1249Leu (NM_003319.4, NM_133432.3, NM_133437.4); short protein forms S1295L, S1249L.
Identifiers: ClinVar variation 47001 (VCV000047001.42), dbSNP rs1552280, ClinGen allele CA283291.
Genomic context (GRCh38, chr2:178,779,308, plus strand): 5'-GACATCTTGCAATGAAAAGTGACACCCATCCCCTCAAGAATTCTATAATTCTTGATTCTT[G>A]AATCAAATCCTGATTCAACAGCTTCAGATTCAGAAATGTCAACTGCCATCTTTTCTTCTC-3'
Protein context (NP_001254479.2, residues 1285-1305): ESEAVESGFD[Ser1295Leu]RIKNYRILEG

ClinVar aggregate classification (germline): Benign. Review status: criteria provided, multiple submitters, no conflicts (2 of 4 stars). 28 submissions from 21 submitters: Benign (23). 5 of the submissions do not count toward it. Last evaluated 2026-02-04.

Conditions:
Dilated cardiomyopathy 1G (CMD1G). Identifiers: Orphanet 154, MedGen C1858763, MONDO:0011400, OMIM 604145.
Autosomal recessive limb-girdle muscular dystrophy type 2J (LGMDR10). Also called: MUSCULAR DYSTROPHY, LIMB-GIRDLE, AUTOSOMAL RECESSIVE 10; Limb-girdle muscular dystrophy, type 2J. Identifiers: Orphanet 140922, MedGen C1837342, MONDO:0012127, OMIM 608807.
Cardiovascular phenotype. Identifiers: MedGen CN230736.
Early-onset myopathy with fatal cardiomyopathy (CMYO5). Also called: CONGENITAL MYOPATHY 5 WITH CARDIOMYOPATHY; Salih Myopathy. Identifiers: Orphanet 289377, MedGen C2673677, MONDO:0012714, OMIM 611705. Disease mechanism: loss of function.
Myopathy, myofibrillar, 9, with early respiratory failure (MFM9). Also called: Myopathy, distal, with early respiratory failure, autosomal dominant; Hereditary myopathy with early respiratory failure; MYOPATHY, PROXIMAL, WITH EARLY RESPIRATORY MUSCLE INVOLVEMENT; EDSTROM MYOPATHY. Identifiers: Orphanet 178464, Orphanet 34521, MedGen C1863599, MONDO:0011362, OMIM 603689.
Tibial muscular dystrophy (TMD). Also called: Udd Distal Myopathy – Tibial Muscular Dystrophy; Tibial muscular dystrophy, tardive; UDD MYOPATHY. Identifiers: Orphanet 609, MedGen C1838244, MONDO:0010870, OMIM 600334.

Allele frequency attached by ClinVar (database versions not stated): TOPMed 0.94008; gnomAD exomes 0.96181 and 0.98146; gnomAD 0.94745 and 0.94810; 1000 Genomes Project 30x 0.91958; ESP Exome Variant Server 0.95086; ExAC 0.96058; 1000 Genomes Project 0.92013.
gnomAD v4.1: 1,577,861 of 1,613,600 alleles (98%); highest among the groups gnomAD compares: Non-Finnish European, 99%; 772,469 homozygotes.

Submissions (28):

Labcorp Genetics (formerly Invitae), Labcorp
Classification: Benign for Dilated cardiomyopathy 1G; Autosomal recessive limb-girdle muscular dystrophy type 2J. Last evaluated: 2026-02-04. Review status: criteria provided, single submitter. Criteria: Invitae Variant Classification Sherloc (09022015). Collection method: clinical testing. Allele origin: germline.

Molecular Diagnostic Laboratory for Inherited Cardiovascular Disease, Montreal Heart Institute
Classification: Benign. Last evaluated: 2025-04-09. Review status: criteria provided, single submitter. Criteria: ACMG Guidelines, 2015. Collection method: clinical testing. Allele origin: germline. Affected: no.

Blueprint Genetics
Classification: Benign. Last evaluated: 2024-11-26. Review status: criteria provided, single submitter. Criteria: ACMG Guidelines, 2015. Collection method: clinical testing. Allele origin: germline.

Genome-Nilou Lab
Classification: Benign for Autosomal recessive limb-girdle muscular dystrophy type 2J. Last evaluated: 2021-09-10. Review status: criteria provided, single submitter. Criteria: ACMG Guidelines, 2015. Collection method: clinical testing. Allele origin: germline. Affected: no.

Genome-Nilou Lab
Classification: Benign for Myopathy, myofibrillar, 9, with early respiratory failure. Last evaluated: 2021-09-10. Review status: criteria provided, single submitter. Criteria: ACMG Guidelines, 2015. Collection method: clinical testing. Allele origin: germline. Affected: no.

Genome-Nilou Lab
Classification: Benign for Early-onset myopathy with fatal cardiomyopathy. Last evaluated: 2021-09-10. Review status: criteria provided, single submitter. Criteria: ACMG Guidelines, 2015. Collection method: clinical testing. Allele origin: germline. Affected: no.

Genome-Nilou Lab
Classification: Benign for Tibial muscular dystrophy. Last evaluated: 2021-09-10. Review status: criteria provided, single submitter. Criteria: ACMG Guidelines, 2015. Collection method: clinical testing. Allele origin: germline. Affected: no.

Women's Health and Genetics/Laboratory Corporation of America, LabCorp
Classification: Benign. Last evaluated: 2019-08-09. Review status: criteria provided, single submitter. Criteria: LabCorp Variant Classification Summary - May 2015. Collection method: clinical testing. Allele origin: germline.

Athena Diagnostics
Classification: Benign. Last evaluated: 2019-01-15. Review status: criteria provided, single submitter. Criteria: Athena Diagnostics Criteria. Collection method: clinical testing. Allele origin: germline.

Illumina Laboratory Services, Illumina
Classification: Benign for Dilated cardiomyopathy 1G. Last evaluated: 2018-01-13. Review status: criteria provided, single submitter. Criteria: ICSL Variant Classification Criteria 13 December 2019. Collection method: clinical testing. Allele origin: germline.
Comment: This variant was observed in the ICSL laboratory as part of a predisposition screen in an ostensibly healthy population. It had not been previously curated by ICSL or reported in the Human Gene Mutation Database (HGMD: prior to June 1st, 2018), and was therefore a candidate for classification through an automated scoring system. Utilizing variant allele frequency, disease prevalence and penetrance estimates, and inheritance mode, an automated score was calculated to assess if this variant is too frequent to cause the disease. Based on the score and internal cut-off values, a variant classified as benign is not then subjected to further curation. The score for this variant resulted in a classification of benign for this disease.

Illumina Laboratory Services, Illumina
Classification: Benign for Tibial muscular dystrophy. Last evaluated: 2018-01-13. Review status: criteria provided, single submitter. Criteria: ICSL Variant Classification Criteria 13 December 2019. Collection method: clinical testing. Allele origin: germline.
Comment: the same text as in the submission from Illumina Laboratory Services, Illumina above.

Illumina Laboratory Services, Illumina
Classification: Benign for Autosomal recessive limb-girdle muscular dystrophy type 2J. Last evaluated: 2018-01-13. Review status: criteria provided, single submitter. Criteria: ICSL Variant Classification Criteria 13 December 2019. Collection method: clinical testing. Allele origin: germline.
Comment: the same text as in the submission from Illumina Laboratory Services, Illumina above.

Illumina Laboratory Services, Illumina
Classification: Benign for Myopathy, myofibrillar, 9, with early respiratory failure. Last evaluated: 2018-01-13. Review status: criteria provided, single submitter. Criteria: ICSL Variant Classification Criteria 13 December 2019. Collection method: clinical testing. Allele origin: germline.
Comment: the same text as in the submission from Illumina Laboratory Services, Illumina above.

Illumina Laboratory Services, Illumina
Classification: Benign for Early-onset myopathy with fatal cardiomyopathy. Last evaluated: 2018-01-13. Review status: criteria provided, single submitter. Criteria: ICSL Variant Classification Criteria 13 December 2019. Collection method: clinical testing. Allele origin: germline.
Comment: the same text as in the submission from Illumina Laboratory Services, Illumina above.

Mayo Clinic Laboratories, Mayo Clinic
Classification: Benign. Last evaluated: 2017-07-21. Review status: criteria provided, single submitter. Criteria: ACMG Guidelines, 2015. Collection method: clinical testing. Allele origin: germline. Observed: 2,433 variant alleles.

Eurofins Ntd Llc (ga)
Classification: Benign. Last evaluated: 2015-07-15. Review status: criteria provided, single submitter. Criteria: EGL Classification Definitions 2015. Collection method: clinical testing. Allele origin: germline. Observed: 27 variant alleles, 27 homozygotes.

Genetic Services Laboratory, University of Chicago
Classification: Benign for AllHighlyPenetrant. Last evaluated: 2013-08-15. Review status: criteria provided, single submitter. Criteria: ACMG Guidelines, 2007. Collection method: clinical testing. Allele origin: germline.

Biesecker Lab/Clinical Genomics Section, National Institutes of Health
Classification: Benign. Last evaluated: 2013-06-24. Review status: criteria provided, single submitter. Criteria: Ng et al. (Circ Cardiovasc Genet. 2013). Collection method: research. Allele origin: unknown. Observed: 865 variant alleles. Study: ClinSeq.
Comment: The study set was not selected for affection status in relation to any cancer. Pathogenicity categories were based on literature curation. See Pubmed ID:23861362 for details.

Medical sequencing

GeneDx
Classification: Benign. Last evaluated: 2013-01-31. Review status: criteria provided, single submitter. Criteria: GeneDx Variant Classification (06012015). Collection method: clinical testing. Allele origin: germline. Affected: yes.
Comment: This variant is considered likely benign or benign based on one or more of the following criteria: it is a conservative change, it occurs at a poorly conserved position in the protein, it is predicted to be benign by multiple in silico algorithms, and/or has population frequency not consistent with disease.

Ambry Genetics
Classification: Benign for Cardiovascular phenotype. Last evaluated: 2012-07-11. Review status: criteria provided, single submitter. Criteria: Ambry Autosomal Dominant and X-Linked criteria (10/2015). Collection method: clinical testing. Allele origin: germline. Observed: 1 variant allele.

Laboratory for Molecular Medicine, Mass General Brigham Personalized Medicine
Classification: Benign. Last evaluated: 2011-09-16. Review status: criteria provided, single submitter. Criteria: LMM Criteria. Collection method: clinical testing. Allele origin: germline. Observed: 1,900 variant alleles.

Breakthrough Genomics
Classification: Benign. Review status: criteria provided, single submitter. Criteria: ACMG Guidelines, 2015. Collection method: not provided. Allele origin: germline. Inheritance: Autosomal recessive inheritance. Affected: yes.

PreventionGenetics, part of Exact Sciences
Classification: Benign. Review status: criteria provided, single submitter. Criteria: ACMG Guidelines, 2015. Collection method: clinical testing. Allele origin: germline.

Clinical Genetics DNA and cytogenetics Diagnostics Lab, Erasmus MC, Erasmus Medical Center
Classification: Benign. Review status: no assertion criteria provided. Collection method: clinical testing. Allele origin: germline. Affected: yes. Study: VKGL Data-share Consensus. Not counted in ClinVar's aggregate classification.

Clinical Genetics, Academic Medical Center
Classification: Benign. Review status: no assertion criteria provided. Collection method: clinical testing. Allele origin: germline. Affected: yes. Study: VKGL Data-share Consensus. Not counted in ClinVar's aggregate classification.

Diagnostic Laboratory, Department of Genetics, University Medical Center Groningen
Classification: Benign. Review status: no assertion criteria provided. Collection method: clinical testing. Allele origin: germline. Affected: yes. Study: VKGL Data-share Consensus. Not counted in ClinVar's aggregate classification.

Genome Diagnostics Laboratory, University Medical Center Utrecht
Classification: Benign. Review status: no assertion criteria provided. Collection method: clinical testing. Allele origin: germline. Affected: yes. Study: VKGL Data-share Consensus. Not counted in ClinVar's aggregate classification.

Joint Genome Diagnostic Labs from Nijmegen and Maastricht, Radboudumc and MUMC+
Classification: Benign. Review status: no assertion criteria provided. Collection method: clinical testing. Allele origin: germline. Affected: yes. Study: VKGL Data-share Consensus. Not counted in ClinVar's aggregate classification.